The following is an entry in ClinVar:

NM_152305.3(POGLUT1):c.427C>T (p.Pro143Ser)

Gene: POGLUT1 (protein O-glucosyltransferase 1; plus strand). Cytogenetic location: 3q13.33.
Variant type: single nucleotide variant.
Coding change: c.427C>T on transcript NM_152305.3 (MANE Select); coding-DNA position 427, C replaced by T.
Protein change: p.Pro143Ser; replaces proline 143 with serine.
Molecular consequence: missense variant. On other transcripts: non-coding transcript variant (1).
Genome position (GRCh38, 1-based): chr3:119,477,419, C>T. VCF-style: chr3-119477419-C-T. GRCh37 (hg19) VCF-style: chr3-119196266-C-T.
Other names: short protein forms P143S.
Identifiers: ClinVar variation 1055482 (VCV001055482.7), dbSNP rs1412451711, ClinGen allele CA354040823.

ClinVar aggregate classification (germline): Uncertain significance (1 of 4 stars; one submission).

Allele frequency attached by ClinVar (database versions not stated): gnomAD exomes below 0.00001.
gnomAD v4.1: 1 of 1,613,884 alleles (0.000062%); highest among the groups gnomAD compares: South Asian, 0.0011%; no homozygotes.

Submission:

Labcorp Genetics (formerly Invitae), Labcorp
Classification: Uncertain significance. Last evaluated: 2020-04-06. Review status: criteria provided, single submitter. Criteria: Invitae Variant Classification Sherloc (09022015). Collection method: clinical testing. Allele origin: germline.
Comment: In summary, the available evidence is currently insufficient to determine the role of this variant in disease. Therefore, it has been classified as a Variant of Uncertain Significance. Algorithms developed to predict the effect of missense changes on protein structure and function are either unavailable or do not agree on the potential impact of this missense change (SIFT: "Not available"; PolyPhen-2: "Benign"; Align-GVGD: "Not available"). This variant has not been reported in the literature in individuals with POGLUT1-related conditions. This variant is not present in population databases (ExAC no frequency). This sequence change replaces proline with serine at codon 143 of the POGLUT1 protein (p.Pro143Ser). There is a moderate physicochemical difference between proline and serine.